The following is an entry in ClinVar:

ClinVar aggregate classification (germline): Pathogenic. Review status: reviewed by expert panel (3 of 4 stars). 2 submissions from 2 submitters: Pathogenic (1). 1 of the submissions does not count toward it. Last evaluated 2017-12-15.

Conditions:
Breast-ovarian cancer, familial, susceptibility to, 2 (BROVCA2). Also called: BRCA2 Hereditary Breast and Ovarian Cancer. Identifiers: Orphanet 145, MedGen C2675520, MONDO:0012933, OMIM 612555. Disease mechanism: loss of function.
Hereditary cancer-predisposing syndrome. Also called: Hereditary Cancer Syndrome; Hereditary neoplastic syndrome; Tumor predisposition; Neoplastic Syndromes, Hereditary. Identifiers: Orphanet 140162, MedGen C0027672, MeSH D009386, MONDO:0015356.

Submissions (2):

Evidence-based Network for the Interpretation of Germline Mutant Alleles (ENIGMA)
Classification: Pathogenic for Breast-ovarian cancer, familial, susceptibility to, 2. Last evaluated: 2017-12-15. Review status: reviewed by expert panel. Criteria: ENIGMA BRCA1/2 Classification Criteria (2017-06-29). Collection method: curation. Allele origin: germline. Study: ENIGMA.
Comment: Variant allele predicted to encode a truncated non-functional protein.

Ambry Genetics
Classification: Pathogenic for Hereditary cancer-predisposing syndrome. Last evaluated: 2017-08-22. Review status: criteria provided, single submitter. Criteria: Ambry Variant Classification Scheme 2023. Collection method: clinical testing. Allele origin: germline. Not counted in ClinVar's aggregate classification.
Comment: The c.9183dupA pathogenic mutation, located in coding exon 23 of the BRCA2 gene, results from a duplication of A at nucleotide position 9183, causing a translational frameshift with a predicted alternate stop codon (p.D3062Rfs*10). This alteration is expected to result in loss of function by premature protein truncation or nonsense-mediated mRNA decay. As such, this alteration is interpreted as a disease-causing mutation.

NM_000059.4(BRCA2):c.9183dup (p.Asp3062fs)

Gene: BRCA2 (BRCA2 DNA repair associated; plus strand). Cytogenetic location: 13q13.1.
Variant type: Duplication.
Coding change: c.9183dup on transcript NM_000059.4 (MANE Select); coding-DNA position 9183, one base duplicated (A; older notation c.9183dupA).
Protein change: p.Asp3062fs; shifts the reading frame from aspartic acid 3062.
Molecular consequence: frameshift variant.
Genome position (GRCh38, 1-based): chr13:32,380,072, A duplicated. VCF-style (leftmost placement, unchanged base first): chr13-32380071-T-TA. GRCh37 (hg19) VCF-style: chr13-32954208-T-TA.
Other names: c.9183dupA (NM_000059.3); short protein forms D3062fs.
Identifiers: ClinVar variation 441349 (VCV000441349.5), dbSNP rs1555288544, ClinGen allele CA658653815.
Genomic context (GRCh38, chr13:32,380,071, plus strand): 5'-CAGATGAAATTTTATTTCAGATTTACCAGCCACGGGAGCCCCTTCACTTCAGCAAATTTT[T>TA]AGATCCAGACTTTCAGCCATCTTGTTCTGAGGTGGACCTAATAGGATTTGTCGTTTCTGT-3'